The following is an entry in ClinVar:

ClinVar aggregate classification (germline): Conflicting classifications of pathogenicity. Review status: criteria provided, conflicting classifications (1 of 4 stars). 4 submissions from 4 submitters: Uncertain significance (2); Likely benign (2). Last evaluated 2026-03-12.

Conditions:
CENPE-related disorder. Also called: CENPE-related condition.

Allele frequency attached by ClinVar (database versions not stated): gnomAD exomes 0.00007 and 0.00017; ExAC 0.00025; 1000 Genomes Project 30x 0.00031; 1000 Genomes Project 0.00040; TOPMed 0.00059; gnomAD 0.00069 and 0.00075; ESP Exome Variant Server 0.00085.
gnomAD v4.1: 208 of 1,613,872 alleles (0.013%); highest among the groups gnomAD compares: African/African-American, 0.22%; 1 homozygote.

Submissions (4):

PreventionGenetics, part of Exact Sciences
Classification: Likely benign for CENPE-related condition. Last evaluated: 2026-03-12. Review status: criteria provided, single submitter. Criteria: ACMG Guidelines, 2015. Collection method: clinical testing. Allele origin: germline.
Comment: This variant is classified as likely benign based on ACMG/AMP sequence variant interpretation guidelines (Richards et al. 2015 PMID: 25741868, with internal and published modifications).

Women's Health and Genetics/Laboratory Corporation of America, LabCorp
Classification: Uncertain significance. Last evaluated: 2024-11-06. Review status: criteria provided, single submitter. Criteria: LabCorp Variant Classification Summary - May 2015. Collection method: clinical testing. Allele origin: germline.
Comment: Variant summary: CENPE c.4273G>A (p.Gly1425Arg) results in a non-conservative amino acid change in the encoded protein sequence. Four of five in-silico tools predict a benign effect of the variant on protein function. The variant allele was found at a frequency of 0.00017 in 251292 control chromosomes, predominantly at a frequency of 0.0021 within the African or African-American subpopulation in the gnomAD database. This frequency is not significantly higher than estimated for a pathogenic variant in CENPE causing Microcephaly 13, Primary, Autosomal Recessive, allowing no conclusion about variant significance. To our knowledge, no occurrence of c.4273G>A in individuals affected with Microcephaly 13, Primary, Autosomal Recessive and no experimental evidence demonstrating its impact on protein function have been reported. ClinVar contains an entry for this variant (Variation ID: 1337198). Based on the evidence outlined above, the variant was classified as uncertain significance.

Laboratorio de Genetica e Diagnostico Molecular, Hospital Israelita Albert Einstein
Classification: Likely benign. Last evaluated: 2021-12-09. Review status: criteria provided, single submitter. Criteria: ACMG Guidelines, 2015. Collection method: clinical testing. Allele origin: germline. Affected: yes.
Comment: ACMG classification criteria: PM2, BS2, BP4

Genetic Services Laboratory, University of Chicago
Classification: Uncertain significance. Last evaluated: 2019-05-21. Review status: criteria provided, single submitter. Criteria: ACMG Guidelines, 2015. Collection method: clinical testing. Allele origin: germline. Affected: no.

NM_001813.3(CENPE):c.4273G>A (p.Gly1425Arg)

Gene: CENPE (centromere protein E; minus strand). Cytogenetic location: 4q24.
Variant type: single nucleotide variant.
Coding change: c.4273G>A on transcript NM_001813.3 (MANE Select); coding-DNA position 4273, G replaced by A.
Protein change: p.Gly1425Arg; replaces glycine 1425 with arginine.
Molecular consequence: missense variant.
Genome position (GRCh38, 1-based): chr4:103,145,969, C>T on the plus strand (G>A on the coding strand, the complement: CENPE is on the minus strand). VCF-style: chr4-103145969-C-T. GRCh37 (hg19) VCF-style: chr4-104067126-C-T.
Other names: c.4198G>A, p.Gly1400Arg (NM_001286734.2); short protein forms G1400R, G1425R.
Identifiers: ClinVar variation 1337198 (VCV001337198.7), dbSNP rs116330917, ClinGen allele CA3029870.